The following is an entry in ClinVar:

ClinVar aggregate classification (germline): Benign. Review status: criteria provided, multiple submitters, no conflicts (2 of 4 stars). 3 submissions from 3 submitters: Benign (3). Last evaluated 2026-01-28.

Conditions:
Hemochromatosis type 4 (HFE4). Also called: HEMOCHROMATOSIS DUE TO DEFECT IN FERROPORTIN; HEMOCHROMATOSIS, AUTOSOMAL DOMINANT; Ferroportin disease. Identifiers: Orphanet 139491, Orphanet 647834, Orphanet 648562, MedGen C1853733, MONDO:0011631, OMIM 606069.

Allele frequency attached by ClinVar (database versions not stated): 1000 Genomes Project 0.02676; ESP Exome Variant Server 0.02614; TOPMed 0.02607; 1000 Genomes Project 30x 0.02873.
gnomAD v4.1: 6,702 of 1,613,972 alleles (0.42%); highest among the groups gnomAD compares: African/African-American, 8%; 254 homozygotes.

Submissions (3):

Labcorp Genetics (formerly Invitae), Labcorp
Classification: Benign for Hemochromatosis type 4. Last evaluated: 2026-01-28. Review status: criteria provided, single submitter. Criteria: Invitae Variant Classification Sherloc (09022015). Collection method: clinical testing. Allele origin: germline.

Illumina Laboratory Services, Illumina
Classification: Benign for Hemochromatosis type 4. Last evaluated: 2017-04-27. Review status: criteria provided, single submitter. Criteria: ICSL Variant Classification Criteria 13 December 2019. Collection method: clinical testing. Allele origin: germline.
Comment: This variant was observed as part of a predisposition screen in an ostensibly healthy population. A literature search was performed for the gene, cDNA change, and amino acid change (where applicable). Publications were found based on this search. The evidence from the literature, in combination with allele frequency data from public databases where available, was sufficient to rule this variant out of causing disease. Therefore, this variant is classified as benign.

Breakthrough Genomics
Classification: Benign. Review status: criteria provided, single submitter. Criteria: ACMG Guidelines, 2015. Collection method: not provided. Allele origin: germline. Inheritance: Autosomal dominant inheritance. Affected: yes.

Literature cited by the submitters: PubMed 15338274 (cited by Illumina Laboratory Services, Illumina); PubMed 21411349 (cited by Illumina Laboratory Services, Illumina).

NM_014585.6(SLC40A1):c.327C>T (p.Ile109=)

Gene: SLC40A1 (solute carrier family 40 member 1; minus strand). Cytogenetic location: 2q32.2.
Variant type: single nucleotide variant.
Coding change: c.327C>T on transcript NM_014585.6 (MANE Select); coding-DNA position 327, C replaced by T.
Protein change: p.Ile109=; no amino-acid change (isoleucine 109 retained).
Molecular consequence: synonymous variant.
Genome position (GRCh38, 1-based): chr2:189,572,906, G>A on the plus strand (C>T on the coding strand, the complement: SLC40A1 is on the minus strand). VCF-style: chr2-189572906-G-A. GRCh37 (hg19) VCF-style: chr2-190437632-G-A.
Identifiers: ClinVar variation 333171 (VCV000333171.16), dbSNP rs11568345, ClinGen allele CA2024251.